The following is an entry in ClinVar:

ClinVar aggregate classification (germline): Uncertain significance. Review status: criteria provided, multiple submitters, no conflicts (2 of 4 stars). 3 submissions from 3 submitters: Uncertain significance (3). Last evaluated 2026-10-14.

Allele frequency attached by ClinVar (database versions not stated): 1000 Genomes Project 30x 0.00016; gnomAD 0.00004; 1000 Genomes Project 0.00020.
gnomAD v4.1: 161 of 1,613,462 alleles (0.01%); highest among the groups gnomAD compares: South Asian, 0.11%; no homozygotes.

Submissions (3):

GeneDx
Classification: Uncertain significance. Last evaluated: 2026-10-14. Review status: criteria provided, single submitter. Criteria: GeneDx Variant Classification Process June 2021. Collection method: clinical testing. Allele origin: germline.
Comment: Observed in apparent homozygous state in a patient with craniosynostosis in the published literature, however, this individuals unaffected mother was also homozygous for this variant (PMID: 32566365); In silico analysis suggests that this missense variant does not alter protein structure/function; This variant is associated with the following publications: (PMID: 32566365)

Labcorp Genetics (formerly Invitae), Labcorp
Classification: Uncertain significance. Last evaluated: 2024-06-24. Review status: criteria provided, single submitter. Criteria: Invitae Variant Classification Sherloc (09022015). Collection method: clinical testing. Allele origin: germline.
Comment: This sequence change replaces arginine, which is basic and polar, with glutamine, which is neutral and polar, at codon 281 of the IL6ST protein (p.Arg281Gln). This variant is present in population databases (rs551130374, gnomAD 0.2%). This missense change has been observed in individual(s) with craniosynostosis and retained deciduous teeth. (PMID: 32566365). ClinVar contains an entry for this variant (Variation ID: 1966000). An algorithm developed to predict the effect of missense changes on protein structure and function (PolyPhen-2) suggests that this variant is likely to be disruptive. Experimental studies have shown that this missense change affects IL6ST function (PMID: 32566365). In summary, the available evidence is currently insufficient to determine the role of this variant in disease. Therefore, it has been classified as a Variant of Uncertain Significance.

Blueprint Genetics
Classification: Uncertain significance. Last evaluated: 2024-04-20. Review status: criteria provided, single submitter. Criteria: ACMG Guidelines, 2015. Collection method: clinical testing. Allele origin: germline.

Literature cited by the submitters: PubMed 32566365 (cited by Labcorp Genetics (formerly Invitae), Labcorp).

NM_002184.4(IL6ST):c.842G>A (p.Arg281Gln)

Gene: IL6ST (interleukin 6 cytokine family signal transducer; minus strand). Cytogenetic location: 5q11.2.
Variant type: single nucleotide variant.
Coding change: c.842G>A on transcript NM_002184.4 (MANE Select); coding-DNA position 842, G replaced by A.
Protein change: p.Arg281Gln; replaces arginine 281 with glutamine.
Molecular consequence: missense variant. On other transcripts: 5 prime UTR variant (3), non-coding transcript variant (2).
Genome position (GRCh38, 1-based): chr5:55,960,533, C>T on the plus strand (G>A on the coding strand, the complement: IL6ST is on the minus strand). VCF-style: chr5-55960533-C-T. GRCh37 (hg19) VCF-style: chr5-55256361-C-T.
Other names: c.842G>A, p.Arg281Gln (NM_001190981.2, NM_001364275.2, NM_175767.3); c.632G>A, p.Arg211Gln (NM_001364276.2); c.-72G>A (NM_001364277.2, NM_001364279.2); c.-62G>A (NM_001364278.2); c.842G>A (NM_002184.3); short protein forms R211Q, R281Q.
Identifiers: ClinVar variation 1966000 (VCV001966000.8), dbSNP rs551130374, ClinGen allele CA3271590.